The following is an entry in ClinVar:

NM_004360.5(CDH1):c.1291AAC[1] (p.Asn432del)

Gene: CDH1 (cadherin 1; plus strand). Cytogenetic location: 16q22.1.
Variant type: Microsatellite.
Coding change: c.1291AAC[1] on transcript NM_004360.5 (MANE Select); one copy of the 3-base unit AAC starting at c.1291; the reference has two copies in a row; one copy, 3 bases deleted; also written c.1294_1296del.
Protein change: p.Asn432del; deletes asparagine 432.
Molecular consequence: inframe deletion. On other transcripts: 5 prime UTR variant (2), intron variant (1).
Genome position (GRCh38, 1-based): chr16:68,813,469-68,813,471, AAC deleted; deleting any 3 consecutive bases within chr16:68,813,466-68,813,471 gives the same sequence; the position shown is the placement nearest the transcript's 3' end. VCF-style (leftmost placement, unchanged base first): chr16-68813465-GAAC-G. GRCh37 (hg19) VCF-style: chr16-68847368-GAAC-G.
Other names: c.1294_1296del (NM_004360.3, NM_004360.5); c.-325AAC[1] (NM_001317185.2); c.-529AAC[1] (NM_001317186.2); c.1137+1206_1137+1208del (NM_001317184.2); short protein forms N432del.
Identifiers: ClinVar variation 582526 (VCV000582526.16), dbSNP rs1567507933, ClinGen allele CA891843863.

ClinVar aggregate classification (germline): Uncertain significance. Review status: criteria provided, multiple submitters, no conflicts (2 of 4 stars). 3 submissions from 3 submitters: Uncertain significance (3). Last evaluated 2025-09-29.

Conditions:
Hereditary cancer-predisposing syndrome. Also called: Neoplastic Syndromes, Hereditary; Hereditary Cancer Syndrome; Tumor predisposition; Hereditary neoplastic syndrome. Identifiers: Orphanet 140162, MedGen C0027672, MeSH D009386, MONDO:0015356.
Hereditary diffuse gastric adenocarcinoma (HDGC). Also called: DIFFUSE GASTRIC AND LOBULAR BREAST CANCER SYNDROME. Identifiers: Orphanet 26106, MedGen C1708349, MONDO:0007648, OMIM 137215.

Submissions (3):

Labcorp Genetics (formerly Invitae), Labcorp
Classification: Uncertain significance for Hereditary diffuse gastric adenocarcinoma. Last evaluated: 2025-09-29. Review status: criteria provided, single submitter. Criteria: Invitae Variant Classification Sherloc (09022015). Collection method: clinical testing. Allele origin: germline.
Comment: This variant, c.1294_1296del, results in the deletion of 1 amino acid(s) of the CDH1 protein (p.Asn432del), but otherwise preserves the integrity of the reading frame. This variant is not present in population databases (gnomAD no frequency). This variant has not been reported in the literature in individuals affected with CDH1-related conditions. ClinVar contains an entry for this variant (Variation ID: 582526). Experimental studies and prediction algorithms are not available or were not evaluated, and the functional significance of this variant is currently unknown. In summary, the available evidence is currently insufficient to determine the role of this variant in disease. Therefore, it has been classified as a Variant of Uncertain Significance.

Ambry Genetics
Classification: Uncertain significance for Hereditary cancer-predisposing syndrome. Last evaluated: 2025-01-28. Review status: criteria provided, single submitter. Criteria: Ambry Variant Classification Scheme 2023. Collection method: clinical testing. Allele origin: germline.
Comment: The c.1294_1296delAAC variant (also known as p.N432del) is located in coding exon 9 of the CDH1 gene. This variant results from an in-frame AAC deletion at nucleotide positions 1294 to 1296. This results in the in-frame deletion of an asparagine at codon 432. This amino acid position is well conserved in available vertebrate species. In addition, this alteration is predicted to be deleterious by in silico analysis (Choi Y et al. PLoS ONE. 2012; 7(10):e46688). Since supporting evidence is limited at this time, the clinical significance of this alteration remains unclear.

Color Diagnostics, LLC DBA Color Health
Classification: Uncertain significance for Hereditary cancer-predisposing syndrome. Last evaluated: 2021-11-22. Review status: criteria provided, single submitter. Criteria: ACMG Guidelines, 2015. Collection method: clinical testing. Allele origin: germline.
Comment: This variant causes an in-frame deletion of 1 amino acid of the CDH1 protein. To our knowledge, functional studies have not been reported for this variant. This variant has not been reported in individuals affected with hereditary cancer in the literature. This variant has not been identified in the general population by the Genome Aggregation Database (gnomAD). The available evidence is insufficient to determine the role of this variant in disease conclusively. Therefore, this variant is classified as a Variant of Uncertain Significance.